The following is an entry in ClinVar:

NM_001031679.3(MSRB3):c.-123G>T

Gene: MSRB3 (methionine sulfoxide reductase B3; plus strand). Cytogenetic location: 12q14.3.
Variant type: single nucleotide variant.
Coding change: c.-123G>T on transcript NM_001031679.3 (MANE Select); 123 bases upstream of the start codon, G replaced by T.
Molecular consequence: 5 prime UTR variant. On other transcripts: missense variant (1).
Genome position (GRCh38, 1-based): chr12:65,278,794, G>T. VCF-style: chr12-65278794-G-T. GRCh37 (hg19) VCF-style: chr12-65672574-G-T.
Other names: c.-287G>T (NM_001193460.2); c.26G>T, p.Arg9Leu (NM_198080.4); short protein forms R9L.
Identifiers: ClinVar variation 4082640 (VCV004082640.1).
Genomic context (GRCh38, chr12:65,278,794, plus strand): 5'-GGTTCGGACACCGGCGGCGGCTGCCTGGCCTTTCCATGAGCCCGCGGCGGACCCTCCCGC[G>T]CCCCCTCTCGCTCTGCCTCTCCCTCTGCCTCTGCCTCTGCCTGGCCGCGGCTCTGGGAAG-3'

ClinVar aggregate classification (germline): Uncertain significance (1 of 4 stars; one submission).

gnomAD v4.1: 14 of 1,571,040 alleles (0.00089%); highest among the groups gnomAD compares: East Asian, 0.033%; no homozygotes.

Submission:

GeneDx
Classification: Uncertain significance. Last evaluated: 2025-03-03. Review status: criteria provided, single submitter. Criteria: GeneDx Variant Classification Process June 2021. Collection method: clinical testing. Allele origin: germline. Affected: yes.
Comment: Not observed at significant frequency in large population cohorts (gnomAD); In silico analysis indicates that this missense variant does not alter protein structure/function; Has not been previously published as pathogenic or benign to our knowledge